The following is an entry in ClinVar:

ClinVar aggregate classification (germline): Likely benign (1 of 4 stars; one submission).

gnomAD v4.1: 3,004 of 1,612,116 alleles (0.19%); highest among the groups gnomAD compares: Non-Finnish European, 0.22%; 8 homozygotes.

Submissions (4):

CeGaT Center for Human Genetics Tuebingen
Classification: Likely benign. Last evaluated: 2026-07-01. Review status: criteria provided, single submitter. Criteria: CeGaT Center For Human Genetics Tuebingen Variant Classification Criteria Version 2. Collection method: clinical testing. Allele origin: germline. Affected: yes. Observed: 3 variant alleles.
Comment: SPRED2: BS1

Dr. Peter K. Rogan Lab, Western University
No classification provided (evidence only). Condition: Familial cancer of breast. Review status: no classification provided. Collection method: in vitro. Allele origin: not applicable. Functional consequence: retained intron. Not counted in ClinVar's aggregate classification.

Dr. Peter K. Rogan Lab, Western University
No classification provided (evidence only). Condition: Thyroid cancer, nonmedullary, 1. Review status: no classification provided. Collection method: in vitro. Allele origin: not applicable. Functional consequence: retained intron. Not counted in ClinVar's aggregate classification.

Dr. Peter K. Rogan Lab, Western University
No classification provided (evidence only). Condition: Cervical cancer. Review status: no classification provided. Collection method: in vitro. Allele origin: not applicable. Functional consequence: retained intron. Not counted in ClinVar's aggregate classification.

NM_181784.3(SPRED2):c.805G>T (p.Val269Leu)

Gene: SPRED2 (sprouty related EVH1 domain containing 2; minus strand). Cytogenetic location: 2p14.
Variant type: single nucleotide variant.
Coding change: c.805G>T on transcript NM_181784.3 (MANE Select); coding-DNA position 805, G replaced by T.
Protein change: p.Val269Leu; replaces valine 269 with leucine.
Molecular consequence: missense variant.
Genome position (GRCh38, 1-based): chr2:65,313,953, C>A on the plus strand (G>T on the coding strand, the complement: SPRED2 is on the minus strand). VCF-style: chr2-65313953-C-A. GRCh37 (hg19) VCF-style: chr2-65541087-C-A.
Other names: NC_000002.11:g.65541087C>A; c.796G>T, p.Val266Leu (NM_001128210.2); short protein forms V266L, V269L.
Identifiers: ClinVar variation 3770697 (VCV003770697.14).